The following is an entry in ClinVar:

ClinVar aggregate classification (germline): Pathogenic (1 of 4 stars; one submission).

Conditions:
Developmental and epileptic encephalopathy 94 (DEE94). Also called: Epileptic encephalopathy, childhood-onset; CHD2-Related Neurodevelopmental Disorders. Identifiers: Orphanet 1942, Orphanet 2382, MedGen C3809278, MONDO:0014150, OMIM 615369.

Submission:

Labcorp Genetics (formerly Invitae), Labcorp
Classification: Pathogenic for Developmental and epileptic encephalopathy 94. Last evaluated: 2023-10-13. Review status: criteria provided, single submitter. Criteria: Invitae Variant Classification Sherloc (09022015). Collection method: clinical testing. Allele origin: germline.
Comment: This sequence change creates a premature translational stop signal (p.Trp1657Metfs*10) in the CHD2 gene. It is expected to result in an absent or disrupted protein product. Loss-of-function variants in CHD2 are known to be pathogenic (PMID: 23708187, 24207121). This variant is not present in population databases (gnomAD no frequency). This variant has not been reported in the literature in individuals affected with CHD2-related conditions. ClinVar contains an entry for this variant (Variation ID: 947825). For these reasons, this variant has been classified as Pathogenic.

Literature cited by the submitters: PubMed 23708187; PubMed 24207121.

NM_001271.4(CHD2):c.4968dup (p.Trp1657fs)

Gene: CHD2 (chromodomain helicase DNA binding protein 2; plus strand). Cytogenetic location: 15q26.1.
Variant type: Duplication.
Coding change: c.4968dup on transcript NM_001271.4 (MANE Select); coding-DNA position 4968, one base duplicated (A; older notation c.4968dupA).
Protein change: p.Trp1657fs; shifts the reading frame from tryptophan 1657.
Molecular consequence: frameshift variant.
Genome position (GRCh38, 1-based): chr15:93,020,073, A duplicated. VCF-style (leftmost placement, unchanged base first): chr15-93020072-C-CA. GRCh37 (hg19) VCF-style: chr15-93563302-C-CA.
Other names: short protein forms W1657fs.
Identifiers: ClinVar variation 947825 (VCV000947825.8), dbSNP rs2054514589, ClinGen allele CA1139664174.